The following is an entry in ClinVar:

ClinVar aggregate classification (germline): Likely benign. Review status: criteria provided, multiple submitters, no conflicts (2 of 4 stars). 5 submissions from 5 submitters: Likely benign (4). 1 of the submissions does not count toward it. Last evaluated 2025-06-19.

Conditions:
Inborn genetic diseases. Identifiers: MedGen C0950123, MeSH D030342.
FOXP2-related disorder. Also called: FOXP2-related condition.
Intellectual disability. Also called: Intellectual functioning disability; intellectual disabilities; Intellectual developmental disorder. Identifiers: MedGen C3714756, MeSH D008607, MONDO:0001071, HP:0001249.
Childhood apraxia of speech (SPCH1). Also called: FOXP2-Related Speech and Language Disorder; DEVELOPMENTAL VERBAL DYSPRAXIA; SPEECH AND LANGUAGE DISORDER WITH OROFACIAL DYSPRAXIA; Speech language disorder. Identifiers: Orphanet 209908, MedGen C0750927, MONDO:0011184, OMIM 602081.

Allele frequency attached by ClinVar (database versions not stated): gnomAD exomes 0.00006 and 0.00012; ESP Exome Variant Server 0.00015; 1000 Genomes Project 30x 0.00016; ExAC 0.00018; 1000 Genomes Project 0.00020; gnomAD 0.00025 and 0.00026; TOPMed 0.00027.
gnomAD v4.1: 135 of 1,613,638 alleles (0.0084%); highest among the groups gnomAD compares: African/African-American, 0.048%; no homozygotes.

Submissions (5):

Ambry Genetics
Classification: Likely benign for Inborn genetic diseases. Last evaluated: 2025-06-19. Review status: criteria provided, single submitter. Criteria: Ambry Variant Classification Scheme 2023. Collection method: clinical testing. Allele origin: germline.

PreventionGenetics, part of Exact Sciences
Classification: Likely benign for FOXP2-related condition. Last evaluated: 2025-05-25. Review status: criteria provided, single submitter. Criteria: ACMG Guidelines, 2015. Collection method: clinical testing. Allele origin: germline.
Comment: This variant is classified as likely benign based on ACMG/AMP sequence variant interpretation guidelines (Richards et al. 2015 PMID: 25741868, with internal and published modifications).

Fulgent Genetics
Classification: Likely benign for Childhood apraxia of speech. Last evaluated: 2021-10-14. Review status: criteria provided, single submitter. Criteria: ACMG Guidelines, 2015. Collection method: clinical testing. Allele origin: unknown.

Labcorp Genetics (formerly Invitae), Labcorp
Classification: Likely benign. Last evaluated: 2018-10-17. Review status: criteria provided, single submitter. Criteria: Invitae Variant Classification Sherloc (09022015). Collection method: clinical testing. Allele origin: germline.

Centre de Biologie Pathologie Génétique, Centre Hospitalier Universitaire de Lille
Classification: Likely benign for Intellectual disability. Last evaluated: 2019-01-01. Review status: no assertion criteria provided. Collection method: clinical testing. Allele origin: inherited. Affected: yes. Not counted in ClinVar's aggregate classification.

NM_014491.4(FOXP2):c.1937A>G (p.Asn646Ser)

Gene: FOXP2 (forkhead box P2; plus strand). Cytogenetic location: 7q31.1.
Variant type: single nucleotide variant.
Coding change: c.1937A>G on transcript NM_014491.4 (MANE Select); coding-DNA position 1937, A replaced by G.
Protein change: p.Asn646Ser; replaces asparagine 646 with serine.
Molecular consequence: missense variant. On other transcripts: non-coding transcript variant (2).
Genome position (GRCh38, 1-based): chr7:114,664,370, A>G. VCF-style: chr7-114664370-A-G. GRCh37 (hg19) VCF-style: chr7-114304425-A-G.
Other names: c.1934A>G, p.Asn645Ser (NM_001172766.3); c.2012A>G, p.Asn671Ser (NM_148898.4); c.1988A>G, p.Asn663Ser (NM_148900.4); short protein forms N645S, N646S, N663S, N671S.
Identifiers: ClinVar variation 792882 (VCV000792882.7), dbSNP rs145154396, ClinGen allele CA4446254.